The following is an entry in ClinVar:

ClinVar aggregate classification (germline): Uncertain significance (1 of 4 stars; one submission).

Conditions:
DOCK4-related disorder. Also called: DOCK4-related condition.

Submission:

3billion
Classification: Uncertain significance for DOCK4-related disorder. Last evaluated: 2026-01-05. Review status: criteria provided, single submitter. Criteria: ACMG Guidelines, 2015. Collection method: clinical testing. Allele origin: germline. Affected: yes.
Comment: The variant is not observed in the gnomAD v4.1.0 dataset. Predicted Consequence/Location: Stop-gained (nonsense) variant Therefore, this variant is classified as VUS according to the recommendation of ACMG/AMP guideline.

NM_001363540.2(DOCK4):c.847C>T (p.Arg283Ter)

Gene: DOCK4 (dedicator of cytokinesis 4; minus strand). Cytogenetic location: 7q31.1.
Variant type: single nucleotide variant.
Coding change: c.847C>T on transcript NM_001363540.2 (MANE Select); coding-DNA position 847, C replaced by T.
Protein change: p.Arg283Ter; replaces arginine 283 with a stop codon.
Molecular consequence: nonsense.
Genome position (GRCh38, 1-based): chr7:111,940,240, G>A on the plus strand (C>T on the coding strand, the complement: DOCK4 is on the minus strand). VCF-style: chr7-111940240-G-A. GRCh37 (hg19) VCF-style: chr7-111580295-G-A.
Other names: c.847C>T, p.Arg283Ter (NM_014705.4); short protein forms R283*.
Identifiers: ClinVar variation 4853908 (VCV004853908.1).